The following is an entry in ClinVar:

ClinVar aggregate classification (germline): Uncertain significance (1 of 4 stars; one submission).

Conditions:
Hypertrophic cardiomyopathy 19. Also called: Familial hypertrophic cardiomyopathy 19. Identifiers: MedGen CN077603, MONDO:0013476.

Allele frequency attached by ClinVar (database versions not stated): gnomAD exomes 0.00001.
gnomAD v4.1: 8 of 1,613,492 alleles (0.0005%); highest among the groups gnomAD compares: East Asian, 0.0022%; no homozygotes.

Submission:

Labcorp Genetics (formerly Invitae), Labcorp
Classification: Uncertain significance for Hypertrophic cardiomyopathy 19. Last evaluated: 2024-04-11. Review status: criteria provided, single submitter. Criteria: Invitae Variant Classification Sherloc (09022015). Collection method: clinical testing. Allele origin: germline.
Comment: This sequence change replaces alanine, which is neutral and non-polar, with threonine, which is neutral and polar, at codon 235 of the CALR3 protein (p.Ala235Thr). This variant is not present in population databases (gnomAD no frequency). This variant has not been reported in the literature in individuals affected with CALR3-related conditions. ClinVar contains an entry for this variant (Variation ID: 1404174). Advanced modeling of protein sequence and biophysical properties (such as structural, functional, and spatial information, amino acid conservation, physicochemical variation, residue mobility, and thermodynamic stability) performed at Invitae indicates that this missense variant is not expected to disrupt CALR3 protein function with a negative predictive value of 80%. In summary, the available evidence is currently insufficient to determine the role of this variant in disease. Therefore, it has been classified as a Variant of Uncertain Significance.

NM_145046.5(CALR3):c.703G>A (p.Ala235Thr)

Gene: CALR3 (calreticulin 3; minus strand). Cytogenetic location: 19p13.11.
Variant type: single nucleotide variant.
Coding change: c.703G>A on transcript NM_145046.5 (MANE Select); coding-DNA position 703, G replaced by A.
Protein change: p.Ala235Thr; replaces alanine 235 with threonine.
Molecular consequence: missense variant.
Genome position (GRCh38, 1-based): chr19:16,482,761, C>T on the plus strand (G>A on the coding strand, the complement: CALR3 is on the minus strand). VCF-style: chr19-16482761-C-T. GRCh37 (hg19) VCF-style: chr19-16593572-C-T.
Other names: short protein forms A235T.
Identifiers: ClinVar variation 1404174 (VCV001404174.8), dbSNP rs2093383195, ClinGen allele CA404608422.